The following is an entry in ClinVar:

ClinVar aggregate classification (germline): Uncertain significance. Review status: criteria provided, multiple submitters, no conflicts (2 of 4 stars). 4 submissions from 4 submitters: Uncertain significance (4). Last evaluated 2026-07-28.

Conditions:
Inborn genetic diseases. Identifiers: MedGen C0950123, MeSH D030342.
Bardet-Biedl syndrome 4 (BBS4). Identifiers: Orphanet 110, MedGen C2936864, MONDO:0014433, OMIM 615982.
BBS4-related disorder. Also called: BBS4-related condition.
Bardet-Biedl syndrome (BBS). Identifiers: Orphanet 110, MedGen C0752166, MONDO:0015229.

Allele frequency attached by ClinVar (database versions not stated): ExAC 0.00001; TOPMed 0.00001; gnomAD exomes below 0.00001.
gnomAD v4.1: 2 of 1,614,092 alleles (0.00012%); highest among the groups gnomAD compares: Admixed American, 0.0033%; no homozygotes.

Submissions (4):

PreventionGenetics, part of Exact Sciences
Classification: Uncertain significance for BBS4-related condition. Last evaluated: 2026-07-28. Review status: criteria provided, single submitter. Criteria: ACMG Guidelines, 2015. Collection method: clinical testing. Allele origin: germline.
Comment: The BBS4 c.572A>G variant is predicted to result in the amino acid substitution p.Tyr191Cys. To our knowledge, this variant has not been reported in the literature. This variant is reported in 0.0029% of alleles in individuals of Latino descent in gnomAD. At this time, the clinical significance of this variant is uncertain due to the absence of conclusive functional and genetic evidence.

Fulgent Genetics
Classification: Uncertain significance for Bardet-Biedl syndrome 4. Last evaluated: 2024-02-12. Review status: criteria provided, single submitter. Criteria: ACMG Guidelines, 2015. Collection method: clinical testing. Allele origin: germline.

Labcorp Genetics (formerly Invitae), Labcorp
Classification: Uncertain significance for Bardet-Biedl syndrome. Last evaluated: 2021-09-02. Review status: criteria provided, single submitter. Criteria: Invitae Variant Classification Sherloc (09022015). Collection method: clinical testing. Allele origin: germline.
Comment: This sequence change replaces tyrosine with cysteine at codon 191 of the BBS4 protein (p.Tyr191Cys). The tyrosine residue is moderately conserved and there is a large physicochemical difference between tyrosine and cysteine. This variant is present in population databases (rs756915341, ExAC 0.009%). This variant has not been reported in the literature in individuals affected with BBS4-related conditions. Algorithms developed to predict the effect of missense changes on protein structure and function are either unavailable or do not agree on the potential impact of this missense change (SIFT: "Deleterious"; PolyPhen-2: "Probably Damaging"; Align-GVGD: "Class C0"). In summary, the available evidence is currently insufficient to determine the role of this variant in disease. Therefore, it has been classified as a Variant of Uncertain Significance.

Ambry Genetics
Classification: Uncertain significance for Inborn genetic diseases. Last evaluated: 2021-01-08. Review status: criteria provided, single submitter. Criteria: Ambry Variant Classification Scheme 2023. Collection method: clinical testing. Allele origin: germline.

NM_033028.5(BBS4):c.572A>G (p.Tyr191Cys)

Gene: BBS4 (Bardet-Biedl syndrome 4; plus strand). Cytogenetic location: 15q24.1.
Variant type: single nucleotide variant.
Coding change: c.572A>G on transcript NM_033028.5 (MANE Select); coding-DNA position 572, A replaced by G.
Protein change: p.Tyr191Cys; replaces tyrosine 191 with cysteine.
Molecular consequence: missense variant. On other transcripts: non-coding transcript variant (2).
Genome position (GRCh38, 1-based): chr15:72,724,640, A>G. VCF-style: chr15-72724640-A-G. GRCh37 (hg19) VCF-style: chr15-73016981-A-G.
Other names: c.56A>G, p.Tyr19Cys (NM_001252678.2); c.572A>G, p.Tyr191Cys (NM_001320665.2); c.572A>G (NM_033028.3); short protein forms Y191C, Y19C.
Identifiers: ClinVar variation 941153 (VCV000941153.12), dbSNP rs756915341, ClinGen allele CA7646672.
Genomic context (GRCh38, chr15:72,724,640, plus strand): 5'-ATATAATGCTGGGGAAGATCCACTTGCTGGAGGGAGACTTGGACAAGGCCATTGAAGTCT[A>G]CAAGAAAGCAGTGGAGTAAGTGTATCTGTTTCCTTTAAAACAGTGAGAAACTAAAAAAAT-3'
Protein context (NP_149017.2, residues 181-201): EGDLDKAIEV[Tyr191Cys]KKAVEFSPEN